The following is an entry in ClinVar:

ClinVar aggregate classification (germline): Uncertain significance. Review status: criteria provided, multiple submitters, no conflicts (2 of 4 stars). 3 submissions from 3 submitters: Uncertain significance (3). Last evaluated 2025-07-06.

Conditions:
Inborn genetic diseases. Identifiers: MedGen C0950123, MeSH D030342.

gnomAD v4.1: 89 of 1,607,734 alleles (0.0055%); highest among the groups gnomAD compares: South Asian, 0.083%; 3 homozygotes.

Submissions (3):

Labcorp Genetics (formerly Invitae), Labcorp
Classification: Uncertain significance. Last evaluated: 2025-07-06. Review status: criteria provided, single submitter. Criteria: Invitae Variant Classification Sherloc (09022015). Collection method: clinical testing. Allele origin: germline.
Comment: This sequence change replaces threonine, which is neutral and polar, with methionine, which is neutral and non-polar, at codon 1093 of the FAT1 protein (p.Thr1093Met). This variant is present in population databases (rs529192654, gnomAD 0.06%). This variant has not been reported in the literature in individuals affected with FAT1-related conditions. Invitae Evidence Modeling of protein sequence and biophysical properties (such as structural, functional, and spatial information, amino acid conservation, physicochemical variation, residue mobility, and thermodynamic stability) indicates that this missense variant is not expected to disrupt FAT1 protein function with a negative predictive value of 80%. In summary, the available evidence is currently insufficient to determine the role of this variant in disease. Therefore, it has been classified as a Variant of Uncertain Significance.

Ambry Genetics
Classification: Uncertain significance for Inborn genetic diseases. Last evaluated: 2025-04-24. Review status: criteria provided, single submitter. Criteria: Ambry Variant Classification Scheme 2023. Collection method: clinical testing. Allele origin: germline.

Blueprint Genetics
Classification: Uncertain significance. Last evaluated: 2023-12-29. Review status: criteria provided, single submitter. Criteria: ACMG Guidelines, 2015. Collection method: clinical testing. Allele origin: germline.

NM_005245.4(FAT1):c.3278C>T (p.Thr1093Met)

Gene: FAT1 (FAT atypical cadherin 1; minus strand). Cytogenetic location: 4q35.2.
Variant type: single nucleotide variant.
Coding change: c.3278C>T on transcript NM_005245.4 (MANE Select); coding-DNA position 3278, C replaced by T.
Protein change: p.Thr1093Met; replaces threonine 1093 with methionine.
Molecular consequence: missense variant.
Genome position (GRCh38, 1-based): chr4:186,663,601, G>A on the plus strand (C>T on the coding strand, the complement: FAT1 is on the minus strand). VCF-style: chr4-186663601-G-A. GRCh37 (hg19) VCF-style: chr4-187584755-G-A.
Other names: short protein forms T1093M.
Identifiers: ClinVar variation 4023063 (VCV004023063.3).